The following is an entry in ClinVar:

ClinVar aggregate classification (germline): Uncertain significance (1 of 4 stars; one submission).

Allele frequency attached by ClinVar (database versions not stated): gnomAD exomes below 0.00001; TOPMed below 0.00001.
gnomAD v4.1: 2 of 1,613,270 alleles (0.00012%); highest among the groups gnomAD compares: East Asian, 0.0022%; no homozygotes.

Submission:

Labcorp Genetics (formerly Invitae), Labcorp
Classification: Uncertain significance. Last evaluated: 2021-05-06. Review status: criteria provided, single submitter. Criteria: Invitae Variant Classification Sherloc (09022015). Collection method: clinical testing. Allele origin: germline.
Comment: In summary, the available evidence is currently insufficient to determine the role of this variant in disease. Therefore, it has been classified as a Variant of Uncertain Significance. Algorithms developed to predict the effect of missense changes on protein structure and function output the following: SIFT: "Tolerated"; PolyPhen-2: "Benign"; Align-GVGD: "Class C0". The serine amino acid residue is found in multiple mammalian species, suggesting that this missense change does not adversely affect protein function. These predictions have not been confirmed by published functional studies and their clinical significance is uncertain. This variant has not been reported in the literature in individuals with CREB3L3-related conditions. This variant is not present in population databases (ExAC no frequency). This sequence change replaces alanine with serine at codon 381 of the CREB3L3 protein (p.Ala381Ser). The alanine residue is weakly conserved and there is a moderate physicochemical difference between alanine and serine.

NM_032607.3(CREB3L3):c.1141G>T (p.Ala381Ser)

Gene: CREB3L3 (cAMP responsive element binding protein 3 like 3; plus strand). Cytogenetic location: 19p13.3.
Variant type: single nucleotide variant.
Coding change: c.1141G>T on transcript NM_032607.3 (MANE Select); coding-DNA position 1141, G replaced by T.
Protein change: p.Ala381Ser; replaces alanine 381 with serine.
Molecular consequence: missense variant. On other transcripts: 3 prime UTR variant (1).
Genome position (GRCh38, 1-based): chr19:4,171,724, G>T. VCF-style: chr19-4171724-G-T. GRCh37 (hg19) VCF-style: chr19-4171721-G-T.
Other names: c.1138G>T, p.Ala380Ser (NM_001271995.2); c.1135G>T, p.Ala379Ser (NM_001271996.2); c.*20G>T (NM_001271997.2); short protein forms A379S, A380S, A381S.
Identifiers: ClinVar variation 1523944 (VCV001523944.8), dbSNP rs1254900585, ClinGen allele CA403410055.